The following is an entry in ClinVar:

NM_000587.4(C7):c.614G>A (p.Trp205Ter)

Gene: C7 (complement C7; plus strand). Cytogenetic location: 5p13.1.
Variant type: single nucleotide variant.
Coding change: c.614G>A on transcript NM_000587.4 (MANE Select); coding-DNA position 614, G replaced by A.
Protein change: p.Trp205Ter; replaces tryptophan 205 with a stop codon.
Molecular consequence: nonsense.
Genome position (GRCh38, 1-based): chr5:40,945,244, G>A. VCF-style: chr5-40945244-G-A. GRCh37 (hg19) VCF-style: chr5-40945346-G-A.
Other names: short protein forms W205*.
Identifiers: ClinVar variation 1723217 (VCV001723217.3), dbSNP rs769984570, ClinGen allele CA3249697.

ClinVar aggregate classification (germline): Pathogenic/Likely pathogenic. Review status: criteria provided, multiple submitters, no conflicts (2 of 4 stars). 2 submissions from 2 submitters: Pathogenic (1); Likely pathogenic (1). Last evaluated 2025-06-11.

Conditions:
Complement component 7 deficiency (C7D). Also called: C7 DEFICIENCY. Identifiers: MedGen C1864694, MONDO:0012412, OMIM 610102.

Allele frequency attached by ClinVar (database versions not stated): gnomAD 0.00001; ExAC 0.00004.
gnomAD v4.1: 10 of 1,552,724 alleles (0.00064%); highest among the groups gnomAD compares: South Asian, 0.0073%; no homozygotes.

Submissions (2):

Labcorp Genetics (formerly Invitae), Labcorp
Classification: Pathogenic. Last evaluated: 2025-06-11. Review status: criteria provided, single submitter. Criteria: Invitae Variant Classification Sherloc (09022015). Collection method: clinical testing. Allele origin: germline.
Comment: This sequence change creates a premature translational stop signal (p.Trp205*) in the C7 gene. It is expected to result in an absent or disrupted protein product. Loss-of-function variants in C7 are known to be pathogenic (PMID: 9856499, 17407100). This variant is present in population databases (rs769984570, gnomAD 0.002%). This premature translational stop signal has been observed in individual(s) with C7 deficiency (PMID: 12869030). This variant is also known as W183X. ClinVar contains an entry for this variant (Variation ID: 1723217). Algorithms developed to predict the effect of sequence changes on RNA splicing suggest that this variant may disrupt the consensus splice site. For these reasons, this variant has been classified as Pathogenic.

Dasa
Classification: Likely pathogenic for Complement component 7 deficiency. Last evaluated: 2022-11-03. Review status: criteria provided, single submitter. Criteria: ACMG Guidelines, 2015. Collection method: clinical testing. Allele origin: germline. Affected: yes. Observed: 1 variant allele.
Comment: The c.614G>A;p.(Trp205*) variant creates a premature translational stop signal in the C7 gene. It is expected to result in an absent or disrupted protein product - PVS1.This variant is not present in population databases (rs769984570, gnomAD; ABraOM no frequency) - PM2. In summary, the currently available evidence indicates that the variant is likely pathogenic.

Literature cited by the submitters: PubMed 9856499 (cited by Labcorp Genetics (formerly Invitae), Labcorp); PubMed 17407100 (cited by Labcorp Genetics (formerly Invitae), Labcorp); PubMed 12869030 (cited by Labcorp Genetics (formerly Invitae), Labcorp).